The following is an entry in ClinVar:

ClinVar aggregate classification (germline): Uncertain significance. Review status: criteria provided, multiple submitters, no conflicts (2 of 4 stars). 4 submissions from 4 submitters: Uncertain significance (4). Last evaluated 2024-12-02.

Conditions:
Epileptic encephalopathy. Identifiers: MedGen C0543888, HP:0200134.

Allele frequency attached by ClinVar (database versions not stated): gnomAD 0.00007; gnomAD exomes 0.00004; 1000 Genomes Project 30x 0.00031; ExAC 0.00004; TOPMed 0.00011; 1000 Genomes Project 0.00020.
gnomAD v4.1: 52 of 1,600,340 alleles (0.0032%); highest among the groups gnomAD compares: Admixed American, 0.027%; no homozygotes.

Submissions (4):

Labcorp Genetics (formerly Invitae), Labcorp
Classification: Uncertain significance for Epileptic encephalopathy. Last evaluated: 2024-12-02. Review status: criteria provided, single submitter. Criteria: Invitae Variant Classification Sherloc (09022015). Collection method: clinical testing. Allele origin: germline.
Comment: This sequence change replaces arginine, which is basic and polar, with cysteine, which is neutral and slightly polar, at codon 490 of the FASN protein (p.Arg490Cys). This variant is present in population databases (rs533081221, gnomAD 0.02%). This variant has not been reported in the literature in individuals affected with FASN-related conditions. ClinVar contains an entry for this variant (Variation ID: 377274). An algorithm developed to predict the effect of missense changes on protein structure and function (PolyPhen-2) suggests that this variant is likely to be disruptive. In summary, the available evidence is currently insufficient to determine the role of this variant in disease. Therefore, it has been classified as a Variant of Uncertain Significance.

Ambry Genetics
Classification: Uncertain significance. Last evaluated: 2023-09-14. Review status: criteria provided, single submitter. Criteria: Ambry Variant Classification Scheme 2023. Collection method: clinical testing. Allele origin: germline.

Fulgent Genetics
Classification: Uncertain significance. Last evaluated: 2018-10-31. Review status: criteria provided, single submitter. Criteria: ACMG Guidelines, 2015. Collection method: clinical testing. Allele origin: unknown.

Center for Pediatric Genomic Medicine, Children's Mercy Hospital and Clinics
Classification: Uncertain significance. Last evaluated: 2016-08-05. Review status: criteria provided, single submitter. Criteria: ACMG Guidelines, 2015. Collection method: clinical testing. Allele origin: germline.
ClinVar note: Converted during submission from Uncertain Significance to Uncertain significance.

NM_004104.5(FASN):c.1468C>T (p.Arg490Cys)

Gene: FASN (fatty acid synthase; minus strand). Cytogenetic location: 17q25.3.
Variant type: single nucleotide variant.
Coding change: c.1468C>T on transcript NM_004104.5 (MANE Select); coding-DNA position 1468, C replaced by T.
Protein change: p.Arg490Cys; replaces arginine 490 with cysteine.
Molecular consequence: missense variant.
Genome position (GRCh38, 1-based): chr17:82,091,246, G>A on the plus strand (C>T on the coding strand, the complement: FASN is on the minus strand). VCF-style: chr17-82091246-G-A. GRCh37 (hg19) VCF-style: chr17-80049122-G-A.
Other names: short protein forms R490C.
Identifiers: ClinVar variation 377274 (VCV000377274.16), dbSNP rs533081221, ClinGen allele CA8853159.